The following continues an entry in ClinVar:

NM_007294.4(BRCA1):c.3748G>T (p.Glu1250Ter)

ClinVar aggregate classification (germline): Pathogenic. Pathogenic (1).

Submissions 7 to 26 of 29:

Baylor Genetics
Classification: Pathogenic for Breast-ovarian cancer, familial, susceptibility to, 1. Last evaluated: 2024-01-22. Review status: criteria provided, single submitter. Criteria: ACMG Guidelines, 2015. Collection method: clinical testing. Allele origin: unknown. Not counted in ClinVar's aggregate classification.

Institute for Biomarker Research, Medical Diagnostic Laboratories, L.L.C.
Classification: Pathogenic for Hereditary breast ovarian cancer syndrome. Last evaluated: 2023-09-05. Review status: criteria provided, single submitter. Criteria: ACMG Guidelines, 2015. Collection method: clinical testing. Allele origin: germline. Not counted in ClinVar's aggregate classification.

Quest Diagnostics Nichols Institute San Juan Capistrano
Classification: Pathogenic. Last evaluated: 2023-07-18. Review status: criteria provided, single submitter. Criteria: Quest Diagnostics criteria. Collection method: clinical testing. Allele origin: unknown. Not counted in ClinVar's aggregate classification.
Comment: The BRCA1 c.3748G>T (p.Glu1250*) variant causes the premature termination of BRCA1 protein synthesis. This variant has been reported in the published literature in individuals/families with breast and/or ovarian cancer (PMID: 31815095 (2019), 30322717 (2018), 27767231 (2017), 26843898 (2016), 26681312 (2015), 24504028 (2014), 22009639 (2012), 20104584 (2010)), as well as various other cancer types including colon cancer, stomach cancer, and glioma (PMID: 29625052 (2018), 26689913 (2015), 26681312 (2015)). The frequency of this variant in the general population, 0.000008 (2/251234 chromosomes (Genome Aggregation Database)), is consistent with pathogenicity. Based on the available information, this variant is classified as pathogenic.

Revvity Omics, Revvity
Classification: Pathogenic. Last evaluated: 2022-12-07. Review status: criteria provided, single submitter. Criteria: ACMG Guidelines, 2015. Collection method: clinical testing. Allele origin: germline. Not counted in ClinVar's aggregate classification.

GeneDx
Classification: Pathogenic. Last evaluated: 2021-10-21. Review status: criteria provided, single submitter. Criteria: GeneDx Variant Classification Process June 2021. Collection method: clinical testing. Allele origin: germline. Affected: yes. Not counted in ClinVar's aggregate classification.
Comment: Nonsense variant predicted to result in protein truncation or nonsense mediated decay in a gene for which loss-of-function is a known mechanism of disease; Observed in individuals with a personal or family history consistent with pathogenic variants in this gene (Castilla 1994, Ahmad 2012, Cunningham 2014, Weren 2016); Not observed at a significant frequency in large population cohorts (Lek 2016); Truncating variants in this gene are considered pathogenic by a well-established clinical consortium and/or database; Also known as 3867G>T; This variant is associated with the following publications: (PMID: 25556971, 22009639, 12497638, 8990217, 9625424, 26843898, 27534398, 9544766, 28152038, 26689913, 26681312, 28263838, 28301456, 18413725, 22469508, 27767231, 22486713, 24504028, 29446198, 30720243, 30322717, 7894491, 25525159, 32719484, 32272925)

Sema4
Classification: Pathogenic for Hereditary cancer-predisposing syndrome. Last evaluated: 2021-09-16. Review status: criteria provided, single submitter. Criteria: Sema4 Curation Guidelines. Collection method: curation. Allele origin: germline. Not counted in ClinVar's aggregate classification.
Comment: The BRCA1 c.3748G>T (p.E1250X) variant has been reported in heterozygosity in multiple individuals with breast, ovarian, and/or endometrial cancer, as well as other cancer types (PMID: 33471991, 24504028, 26681312, 29625052, 29446198, among others). Functional studies have shown that this variant alters normal homology-directed repair activity (PMID: 26689913). This variant is a well-established pathogenic variant associated with hereditary breast and ovarian cancer (PMID: 29446198). This nonsense variant creates a premature stop codon at residue 1250 of the BRCA1 protein, which is predicted to cause nonsense mediated decay and loss of function. Loss of function variants in BRCA1 or BRCA2 are known to be pathogenic (PMID: 29446198). This variant was observed in 2/113540 chromosomes in the European (non-Finnish) population according to the Genome Aggregation Database (PMID: 32461654), and has been reported in ClinVar (Variation ID: 17672). Based on the current evidence available, this variant is interpreted as pathogenic.

Department of Pathology and Molecular Medicine, Queen's University
Classification: Pathogenic for Hereditary breast ovarian cancer syndrome. Last evaluated: 2017-04-20. Review status: criteria provided, single submitter. Criteria: ACMG Guidelines, 2015. Collection method: clinical testing. Allele origin: germline. Study: The Canadian Open Genetics Repository (COGR). Not counted in ClinVar's aggregate classification.

Baylor Genetics
Classification: Pathogenic for Familial cancer of breast. Last evaluated: 2017-02-23. Review status: criteria provided, single submitter. Criteria: ACMG Guidelines, 2015. Collection method: clinical testing. Allele origin: germline. Inheritance: Autosomal dominant inheritance. Affected: yes. Observed: 1 variant allele. Not counted in ClinVar's aggregate classification.

Women's Health and Genetics/Laboratory Corporation of America, LabCorp
Classification: Pathogenic for Hereditary breast ovarian cancer syndrome. Last evaluated: 2016-05-23. Review status: criteria provided, single submitter. Criteria: LabCorp Variant Classification Summary - May 2015. Collection method: clinical testing. Allele origin: germline. Not counted in ClinVar's aggregate classification.
Comment: Variant summary: The BRCA1 c.3748G>T (p.Glu1250X) variant results in a premature termination codon, predicted to cause a truncated or absent BRCA1 protein due to nonsense mediated decay, which are commonly known mechanisms for disease. Truncations downstream of this position have been classified as pathogenic by our laboratory (e.g.c.3904G>T/p.Glu1302X). One in silico tool predicts a damaging outcome for this variant. This variant was found in 2/121388 control chromosomes at a frequency of 0.0000165, which does not exceed the estimated maximal expected allele frequency of a pathogenic BRCA1 variant (0.0010005). This variant has been reported in multiple affected individuals and functional study showed variant with ~10% of relative HDR activity in comparison to WT BRCA1 (Lu_2015). In addition, multiple clinical diagnostic laboratories/reputable databases classified this variant as pathogenic. Taken together, this variant is classified as pathogenic.

University of Washington Department of Laboratory Medicine, University of Washington
Classification: Pathogenic for Breast-ovarian cancer, familial, susceptibility to, 1. Last evaluated: 2015-11-20. Review status: criteria provided, single submitter. Criteria: Shirts et al. (Genet Med 2016). Collection method: clinical testing. Allele origin: germline. Affected: yes. Observed: 1 variant allele. Not counted in ClinVar's aggregate classification.

Consortium of Investigators of Modifiers of BRCA1/2 (CIMBA), c/o University of Cambridge
Classification: Pathogenic for Breast-ovarian cancer, familial, susceptibility to, 1. Last evaluated: 2015-10-02. Review status: criteria provided, single submitter. Criteria: CIMBA Mutation Classification guidelines May 2016. Collection method: clinical testing. Allele origin: germline. Not counted in ClinVar's aggregate classification.

Clinical Genetics DNA and cytogenetics Diagnostics Lab, Erasmus MC, Erasmus Medical Center
Classification: Pathogenic for Breast-ovarian cancer, familial, susceptibility to, 1. Last evaluated: 2015-09-21. Review status: criteria provided, single submitter. Criteria: ACGS Guidelines, 2013. Collection method: clinical testing. Allele origin: germline. Affected: yes. Study: VKGL Data-share Consensus. Not counted in ClinVar's aggregate classification.

Genome Diagnostics Laboratory, University Medical Center Utrecht
Classification: Pathogenic for Breast-ovarian cancer, familial, susceptibility to, 1. Last evaluated: 2014-10-08. Review status: criteria provided, single submitter. Criteria: ACGS Guidelines, 2013. Collection method: clinical testing. Allele origin: germline. Affected: yes. Study: VKGL Data-share Consensus. Not counted in ClinVar's aggregate classification.

BRCAlab, Lund University
Classification: Pathogenic for Breast-ovarian cancer, familial, susceptibility to, 1. Last evaluated: 2022-08-26. Review status: no assertion criteria provided. Collection method: clinical testing. Allele origin: germline. Affected: yes. Not counted in ClinVar's aggregate classification.

Counsyl
Classification: Pathogenic for Breast-ovarian cancer, familial, susceptibility to, 1. Last evaluated: 2015-06-17. Review status: no assertion criteria provided. Collection method: clinical testing. Allele origin: unknown. Not counted in ClinVar's aggregate classification.

Research Molecular Genetics Laboratory, Women's College Hospital, University of Toronto
Classification: Pathogenic for Hereditary breast ovarian cancer syndrome. Last evaluated: 2014-01-31. Review status: no assertion criteria provided. Collection method: research. Allele origin: germline. Affected: yes. Study: The Canadian Open Genetics Repository (COGR). Not counted in ClinVar's aggregate classification.

Sharing Clinical Reports Project (SCRP)
Classification: Pathogenic for Breast-ovarian cancer, familial 1. Last evaluated: 2012-04-05. Review status: no assertion criteria provided. Collection method: clinical testing. Allele origin: germline. Not counted in ClinVar's aggregate classification.

Breast Cancer Information Core (BIC) (BRCA1)
Classification: Pathogenic for Breast-ovarian cancer, familial 1. Last evaluated: 2002-05-29. Review status: no assertion criteria provided. Collection method: clinical testing. Allele origin: germline, unknown. Affected: yes. Observed: 637 variant alleles. Not counted in ClinVar's aggregate classification.

OMIM
Classification: Pathogenic for BREAST-OVARIAN CANCER, FAMILIAL, SUSCEPTIBILITY TO, 1. Last evaluated: 1994-12-01. Review status: no assertion criteria provided. Collection method: literature only. Allele origin: germline. Not counted in ClinVar's aggregate classification.

Clinical Genetics Laboratory, Department of Pathology, Netherlands Cancer Institute
Classification: Pathogenic. Review status: no assertion criteria provided. Collection method: clinical testing. Allele origin: germline. Affected: yes. Study: VKGL Data-share Consensus. Not counted in ClinVar's aggregate classification.